The following is an entry in ClinVar:

ClinVar aggregate classification (germline): Uncertain significance (1 of 4 stars; one submission).

Submission:

Labcorp Genetics (formerly Invitae), Labcorp
Classification: Uncertain significance. Last evaluated: 2024-08-07. Review status: criteria provided, single submitter. Criteria: Invitae Variant Classification Sherloc (09022015). Collection method: clinical testing. Allele origin: germline.
Comment: This sequence change replaces glutamic acid, which is acidic and polar, with glutamine, which is neutral and polar, at codon 88 of the SFRP4 protein (p.Glu88Gln). This variant is not present in population databases (gnomAD no frequency). This variant has not been reported in the literature in individuals affected with SFRP4-related conditions. An algorithm developed to predict the effect of missense changes on protein structure and function (PolyPhen-2) suggests that this variant is likely to be disruptive. In summary, the available evidence is currently insufficient to determine the role of this variant in disease. Therefore, it has been classified as a Variant of Uncertain Significance.

NM_003014.4(SFRP4):c.262G>C (p.Glu88Gln)

Gene: SFRP4 (secreted frizzled related protein 4; minus strand). Cytogenetic location: 7p14.1.
Variant type: single nucleotide variant.
Coding change: c.262G>C on transcript NM_003014.4 (MANE Select); coding-DNA position 262, G replaced by C.
Protein change: p.Glu88Gln; replaces glutamic acid 88 with glutamine.
Molecular consequence: missense variant.
Genome position (GRCh38, 1-based): chr7:37,916,276, C>G on the plus strand (G>C on the coding strand, the complement: SFRP4 is on the minus strand). VCF-style: chr7-37916276-C-G. GRCh37 (hg19) VCF-style: chr7-37955878-C-G.
Other names: short protein forms E88Q.
Identifiers: ClinVar variation 3661138 (VCV003661138.2).